The following is an entry in ClinVar:

NM_016004.5(IFT52):c.730_731del (p.Asp244fs)

Gene: IFT52 (intraflagellar transport 52; plus strand). Cytogenetic location: 20q13.12.
Variant type: Microsatellite.
Coding change: c.730_731del on transcript NM_016004.5 (MANE Select); coding-DNA positions 730 to 731, 2 bases deleted (GA; older notation c.730_731delGA).
Protein change: p.Asp244fs; shifts the reading frame from aspartic acid 244.
Molecular consequence: frameshift variant.
Genome position (GRCh38, 1-based): chr20:43,620,887-43,620,888, GA deleted; deleting any 2 consecutive bases within chr20:43,620,885-43,620,888 gives the same sequence; the c. name uses the placement nearest the transcript's 3' end. VCF-style (leftmost placement, unchanged base first): chr20-43620884-GGA-G. GRCh37 (hg19) VCF-style: chr20-42249524-GGA-G.
Other names: c.730_731del, p.Asp244fs (NM_001303458.3, NM_001303459.3); c.202_203del, p.Asp68fs (NM_001323578.2, NM_001323580.2); c.79_80del, p.Asp27fs (NM_001323579.2, NM_001323581.2); short protein forms D68fs, D244fs, D27fs.
Identifiers: ClinVar variation 1422435 (VCV001422435.3), dbSNP rs775338091, ClinGen allele CA9866981.

ClinVar aggregate classification (germline): Uncertain significance (1 of 4 stars; one submission).

Submission:

Labcorp Genetics (formerly Invitae), Labcorp
Classification: Uncertain significance. Last evaluated: 2022-05-05. Review status: criteria provided, single submitter. Criteria: Invitae Variant Classification Sherloc (09022015). Collection method: clinical testing. Allele origin: germline.
Comment: This sequence change creates a premature translational stop signal (p.Asp244Hisfs*7) in the IFT52 gene. It is expected to result in an absent or disrupted protein product. However, the current clinical and genetic evidence is not sufficient to establish whether loss-of-function variants in IFT52 cause disease. This variant is present in population databases (rs775338091, gnomAD 0.006%). This variant has not been reported in the literature in individuals affected with IFT52-related conditions. In summary, the available evidence is currently insufficient to determine the role of this variant in disease. Therefore, it has been classified as a Variant of Uncertain Significance.